The following is an entry in ClinVar:

ClinVar aggregate classification (germline): Uncertain significance. Review status: criteria provided, multiple submitters, no conflicts (2 of 4 stars). 2 submissions from 2 submitters: Uncertain significance (2). Last evaluated 2025-01-22.

Conditions:
Hereditary cancer-predisposing syndrome. Also called: Tumor predisposition; Hereditary neoplastic syndrome; Neoplastic Syndromes, Hereditary; Hereditary Cancer Syndrome. Identifiers: Orphanet 140162, MedGen C0027672, MeSH D009386, MONDO:0015356.
Oligodontia-cancer predisposition syndrome. Also called: TOOTH AGENESIS-COLORECTAL CANCER SYNDROME. Identifiers: Orphanet 300576, MedGen C1837750, MONDO:0012075, OMIM 608615. Disease mechanism: loss of function.

Allele frequency attached by ClinVar (database versions not stated): gnomAD exomes below 0.00001.
gnomAD v4.1: 1 of 1,614,224 alleles (0.000062%); highest among the groups gnomAD compares: Middle Eastern, 0.016%; no homozygotes.

Submissions (2):

Labcorp Genetics (formerly Invitae), Labcorp
Classification: Uncertain significance for Oligodontia-cancer predisposition syndrome. Last evaluated: 2025-01-22. Review status: criteria provided, single submitter. Criteria: Invitae Variant Classification Sherloc (09022015). Collection method: clinical testing. Allele origin: germline.
Comment: This sequence change replaces serine, which is neutral and polar, with proline, which is neutral and non-polar, at codon 244 of the AXIN2 protein (p.Ser244Pro). This variant is not present in population databases (gnomAD no frequency). This variant has not been reported in the literature in individuals affected with AXIN2-related conditions. ClinVar contains an entry for this variant (Variation ID: 958496). An algorithm developed to predict the effect of missense changes on protein structure and function outputs the following: PolyPhen-2: "Benign". The proline amino acid residue is found in multiple mammalian species, which suggests that this missense change does not adversely affect protein function. In summary, the available evidence is currently insufficient to determine the role of this variant in disease. Therefore, it has been classified as a Variant of Uncertain Significance.

Ambry Genetics
Classification: Uncertain significance for Hereditary cancer-predisposing syndrome. Last evaluated: 2024-09-05. Review status: criteria provided, single submitter. Criteria: Ambry Variant Classification Scheme 2023. Collection method: clinical testing. Allele origin: germline.
Comment: The p.S244P variant (also known as c.730T>C), located in coding exon 1 of the AXIN2 gene, results from a T to C substitution at nucleotide position 730. The serine at codon 244 is replaced by proline, an amino acid with similar properties. This amino acid position is conserved. In addition, this alteration is predicted to be tolerated by in silico analysis. Based on the available evidence, the clinical significance of this variant remains unclear.

NM_004655.4(AXIN2):c.730T>C (p.Ser244Pro)

Gene: AXIN2 (axin 2; minus strand). Cytogenetic location: 17q24.1.
Variant type: single nucleotide variant.
Coding change: c.730T>C on transcript NM_004655.4 (MANE Select); coding-DNA position 730, T replaced by C.
Protein change: p.Ser244Pro; replaces serine 244 with proline.
Molecular consequence: missense variant.
Genome position (GRCh38, 1-based): chr17:65,557,891, A>G on the plus strand (T>C on the coding strand, the complement: AXIN2 is on the minus strand). VCF-style: chr17-65557891-A-G. GRCh37 (hg19) VCF-style: chr17-63554009-A-G.
Other names: c.730T>C, p.Ser244Pro (NM_001363813.1); short protein forms S244P.
Identifiers: ClinVar variation 958496 (VCV000958496.4), dbSNP rs2044294127, ClinGen allele CA400680386.
Genomic context (GRCh38, chr17:65,557,891, plus strand): 5'-TGGACCTCACACTCGCCGTGGCCCTCAGAGTTTTGCTGGACAAGCCAACCACGGTTGGCG[A>G]AAGTTTGCACTTGAAGTCGGCACAAGTCCACTCCTCTTCTTCATTCAAGGTGGGGAGATA-3'
Protein context (NP_004646.3, residues 234-254): WTCADFKCKL[Ser244Pro]PTVVGLSSKT